The following is an entry in ClinVar:

NM_170707.4(LMNA):c.924G>T (p.Gln308His)

Gene: LMNA (lamin A/C; plus strand). Cytogenetic location: 1q22.
Variant type: single nucleotide variant.
Coding change: c.924G>T on transcript NM_170707.4 (MANE Select); coding-DNA position 924, G replaced by T.
Protein change: p.Gln308His; replaces glutamine 308 with histidine.
Molecular consequence: missense variant.
Genome position (GRCh38, 1-based): chr1:156,135,300, G>T. VCF-style: chr1-156135300-G-T. GRCh37 (hg19) VCF-style: chr1-156105091-G-T.
Other names: c.588G>T, p.Gln196His (NM_001257374.3, NM_001406989.1, NM_001406998.1); c.681G>T, p.Gln227His (NM_001282624.2, NM_001406986.1, NM_001406987.1); c.924G>T, p.Gln308His (NM_001282625.2, NM_001282626.2, NM_001406983.1 and 6 more transcripts); c.627G>T, p.Gln209His (NM_001406988.1); c.366G>T, p.Gln122His (NM_001406990.1, NM_001406993.1, NM_001406995.1 and 4 more transcripts); c.260G>T, p.Ser87Ile (NM_001406994.1, NM_001406999.1, NM_001407000.1 and 1 more transcripts); short protein forms S87I, Q122H, Q308H, Q209H, Q227H, Q196H.
Identifiers: ClinVar variation 1766329 (VCV001766329.2), dbSNP rs1321220871, ClinGen allele CA342817992.

ClinVar aggregate classification (germline): Uncertain significance (1 of 4 stars; one submission).

Conditions:
Cardiovascular phenotype. Identifiers: MedGen CN230736.

Allele frequency attached by ClinVar (database versions not stated): gnomAD exomes below 0.00001; gnomAD 0.00001; TOPMed 0.00002.
gnomAD v4.1: 2 of 1,610,832 alleles (0.00012%); highest among the groups gnomAD compares: African/African-American, 0.0013%; no homozygotes.

Submission:

Ambry Genetics
Classification: Uncertain significance for Cardiovascular phenotype. Last evaluated: 2021-07-07. Review status: criteria provided, single submitter. Criteria: Ambry Variant Classification Scheme 2023. Collection method: clinical testing. Allele origin: germline.
Comment: The p.Q308H variant (also known as c.924G>T), located in coding exon 5 of the LMNA gene, results from a G to T substitution at nucleotide position 924. The glutamine at codon 308 is replaced by histidine, an amino acid with highly similar properties. This amino acid position is well conserved in available vertebrate species. In addition, the in silico prediction for this alteration is inconclusive. Since supporting evidence is limited at this time, the clinical significance of this alteration remains unclear.